The following is an entry in ClinVar:

ClinVar aggregate classification (germline): Conflicting classifications of pathogenicity. Review status: criteria provided, conflicting classifications (1 of 4 stars). 7 submissions from 7 submitters: Uncertain significance (5); Likely benign (1). 1 of the submissions does not count toward it. Last evaluated 2026-01-04.

Conditions:
ALG8-related disorder.
ALG8 congenital disorder of glycosylation. Also called: CONGENITAL DISORDER OF GLYCOSYLATION, TYPE Ih; CDG Ih; ALG8-CDG. Identifiers: Orphanet 79325, MedGen C2931002, MONDO:0011969, OMIM 608104.

Allele frequency attached by ClinVar (database versions not stated): gnomAD exomes 0.00077 and 0.00114; 1000 Genomes Project 30x 0.00094; ESP Exome Variant Server 0.00100; gnomAD 0.00103; TOPMed 0.00119; 1000 Genomes Project 0.00120; ExAC 0.00134.
gnomAD v4.1: 1,794 of 1,596,330 alleles (0.11%); highest among the groups gnomAD compares: Non-Finnish European, 0.14%; 1 homozygote.

Submissions (7):

Labcorp Genetics (formerly Invitae), Labcorp
Classification: Likely benign for ALG8 congenital disorder of glycosylation. Last evaluated: 2026-01-04. Review status: criteria provided, single submitter. Criteria: Invitae Variant Classification Sherloc (09022015). Collection method: clinical testing. Allele origin: germline.

GeneDx
Classification: Uncertain significance. Last evaluated: 2025-08-19. Review status: criteria provided, single submitter. Criteria: GeneDx Variant Classification Process June 2021. Collection method: clinical testing. Allele origin: germline. Affected: yes.
Comment: In silico analysis suggests that this missense variant does not alter protein structure/function; Has not been previously published as pathogenic or benign to our knowledge

ARUP Laboratories, Molecular Genetics and Genomics, ARUP Laboratories
Classification: Uncertain significance. Last evaluated: 2024-10-11. Review status: criteria provided, single submitter. Criteria: ARUP Molecular Germline Variant Investigation Process 2024. Collection method: clinical testing. Allele origin: germline.
Comment: The ALG8 c.1211C>T;p.Ser404Leu variant (rs146603801), to our knowledge, is not reported in the medical literature but is reported in ClinVar (Variation ID: 306213). This variant is found predominantly in the non-Finnish European population with an allele frequency of 0.14% (162/113424 alleles) in the Genome Aggregation Database (v2.1.1). Computational analyses are uncertain whether this variant is neutral or deleterious (REVEL: 0.454). Due to limited information, the clinical significance of this variant is uncertain at this time.

Baylor Genetics
Classification: Uncertain significance for ALG8 congenital disorder of glycosylation. Last evaluated: 2018-09-12. Review status: criteria provided, single submitter. Criteria: ACMG Guidelines, 2015. Collection method: clinical testing. Allele origin: maternal. Affected: yes.
Comment: This variant was determined to be of uncertain significance according to ACMG Guidelines, 2015 [PMID:25741868].

Eurofins Ntd Llc (ga)
Classification: Uncertain significance. Last evaluated: 2018-07-10. Review status: criteria provided, single submitter. Criteria: EGL ClinVar v180209 classification definitions. Collection method: clinical testing. Allele origin: germline. Observed: 1 variant allele, 1 heterozygote.

Illumina Laboratory Services, Illumina
Classification: Uncertain significance for ALG8 congenital disorder of glycosylation. Last evaluated: 2018-01-13. Review status: criteria provided, single submitter. Criteria: ICSL Variant Classification Criteria 13 December 2019. Collection method: clinical testing. Allele origin: germline.

PreventionGenetics, part of Exact Sciences
Classification: Uncertain significance for ALG8-related condition. Last evaluated: 2024-09-11. Review status: no assertion criteria provided. Collection method: clinical testing. Allele origin: germline. Not counted in ClinVar's aggregate classification.
Comment: The ALG8 c.1211C>T variant is predicted to result in the amino acid substitution p.Ser404Leu. To our knowledge, this variant has not been reported in the literature. This variant is reported in 0.14% of alleles in individuals of European (Non-Finnish) descent in gnomAD. Although we suspect that this variant may be benign, at this time, the clinical significance of this variant is uncertain due to the absence of conclusive functional and genetic evidence.

NM_024079.5(ALG8):c.1211C>T (p.Ser404Leu)

Gene: ALG8 (ALG8 alpha-1,3-glucosyltransferase; minus strand). Cytogenetic location: 11q14.1.
Variant type: single nucleotide variant.
Coding change: c.1211C>T on transcript NM_024079.5 (MANE Select); coding-DNA position 1211, C replaced by T.
Protein change: p.Ser404Leu; replaces serine 404 with leucine.
Molecular consequence: missense variant.
Genome position (GRCh38, 1-based): chr11:78,104,421, G>A on the plus strand (C>T on the coding strand, the complement: ALG8 is on the minus strand). VCF-style: chr11-78104421-G-A. GRCh37 (hg19) VCF-style: chr11-77815467-G-A.
Other names: c.1211C>T, p.Ser404Leu (NM_001007027.3); short protein forms S404L.
Identifiers: ClinVar variation 306213 (VCV000306213.28), dbSNP rs146603801, ClinGen allele CA6203184.